The following is an entry in ClinVar:

ClinVar aggregate classification (germline): Uncertain significance. Review status: criteria provided, multiple submitters, no conflicts (2 of 4 stars). 2 submissions from 2 submitters: Uncertain significance (2). Last evaluated 2025-01-19.

Conditions:
Hereditary cancer-predisposing syndrome. Also called: Neoplastic Syndromes, Hereditary; Hereditary Cancer Syndrome; Tumor predisposition; Hereditary neoplastic syndrome. Identifiers: Orphanet 140162, MedGen C0027672, MeSH D009386, MONDO:0015356.
Hereditary breast ovarian cancer syndrome. Also called: Hereditary breast and ovarian cancer syndrome (HBOC); Hereditary breast and ovarian cancer syndrome; Hereditary breast and/or ovarian cancer syndrome; Breast and ovarian cancer; Hereditary breast and ovarian cancer; BRCA1- and BRCA2-Associated Hereditary Breast and Ovarian Cancer. Identifiers: Orphanet 145, MedGen C0677776, MeSH D061325, MONDO:0003582. Disease mechanism: loss of function.

Allele frequency attached by ClinVar (database versions not stated): gnomAD exomes below 0.00001.
gnomAD v4.1: 1 of 1,613,744 alleles (0.000062%); highest among the groups gnomAD compares: Non-Finnish European, 0.000085%; no homozygotes.

Submissions (2):

Labcorp Genetics (formerly Invitae), Labcorp
Classification: Uncertain significance for Hereditary breast ovarian cancer syndrome. Last evaluated: 2025-01-19. Review status: criteria provided, single submitter. Criteria: Invitae Variant Classification Sherloc (09022015). Collection method: clinical testing. Allele origin: germline.
Comment: This sequence change replaces glutamic acid, which is acidic and polar, with lysine, which is basic and polar, at codon 2226 of the BRCA2 protein (p.Glu2226Lys). This variant is not present in population databases (gnomAD no frequency). This variant has not been reported in the literature in individuals affected with BRCA2-related conditions. ClinVar contains an entry for this variant (Variation ID: 2447016). Invitae Evidence Modeling of protein sequence and biophysical properties (such as structural, functional, and spatial information, amino acid conservation, physicochemical variation, residue mobility, and thermodynamic stability) indicates that this missense variant is not expected to disrupt BRCA2 protein function with a negative predictive value of 95%. In summary, the available evidence is currently insufficient to determine the role of this variant in disease. Therefore, it has been classified as a Variant of Uncertain Significance.

Ambry Genetics
Classification: Uncertain significance for Hereditary cancer-predisposing syndrome. Last evaluated: 2022-11-04. Review status: criteria provided, single submitter. Criteria: Ambry Variant Classification Scheme 2023. Collection method: clinical testing. Allele origin: germline.
Comment: The p.E2226K variant (also known as c.6676G>A), located in coding exon 10 of the BRCA2 gene, results from a G to A substitution at nucleotide position 6676. The glutamic acid at codon 2226 is replaced by lysine, an amino acid with similar properties. This amino acid position is highly conserved in available vertebrate species. In addition, this alteration is predicted to be deleterious by in silico analysis. Since supporting evidence is limited at this time, the clinical significance of this alteration remains unclear.

NM_000059.4(BRCA2):c.6676G>A (p.Glu2226Lys)

Gene: BRCA2 (BRCA2 DNA repair associated; plus strand). Cytogenetic location: 13q13.1.
Variant type: single nucleotide variant.
Coding change: c.6676G>A on transcript NM_000059.4 (MANE Select); coding-DNA position 6676, G replaced by A.
Protein change: p.Glu2226Lys; replaces glutamic acid 2226 with lysine.
Molecular consequence: missense variant. On other transcripts: non-coding transcript variant (1), intron variant (2).
Genome position (GRCh38, 1-based): chr13:32,341,031, G>A. VCF-style: chr13-32341031-G-A. GRCh37 (hg19) VCF-style: chr13-32915168-G-A.
Other names: c.6676G>A, p.Glu2226Lys (NM_001406719.1, NM_001406720.1); c.1910-3527G>A (NM_001406721.1); c.425-3527G>A (NM_001406722.1); short protein forms E2226K.
Identifiers: ClinVar variation 2447016 (VCV002447016.4), dbSNP rs775859905, ClinGen allele CA247514331.
Genomic context (GRCh38, chr13:32,341,031, plus strand): 5'-AAAACAAATATAGAAGTTTGTTCTACTTACTCCAAAGATTCAGAAAACTACTTTGAAACA[G>A]AAGCAGTAGAAATTGCTAAAGCTTTTATGGAAGATGATGAACTGACAGATTCTAAACTGC-3'
Protein context (NP_000050.3, residues 2216-2236): SKDSENYFET[Glu2226Lys]AVEIAKAFME